The following is an entry in ClinVar:

NM_003235.5(TG):c.6842G>A (p.Cys2281Tyr)

Gene: TG (thyroglobulin; plus strand). Cytogenetic location: 8q24.22.
Variant type: single nucleotide variant.
Coding change: c.6842G>A on transcript NM_003235.5 (MANE Select); coding-DNA position 6842, G replaced by A.
Protein change: p.Cys2281Tyr; replaces cysteine 2281 with tyrosine.
Molecular consequence: missense variant.
Genome position (GRCh38, 1-based): chr8:133,019,661, G>A. VCF-style: chr8-133019661-G-A. GRCh37 (hg19) VCF-style: chr8-134031906-G-A.
Other names: short protein forms C2281Y.
Identifiers: ClinVar variation 2664860 (VCV002664860.1), dbSNP rs374390455, ClinGen allele CA186292460.

ClinVar aggregate classification (germline): Uncertain significance (1 of 4 stars; one submission).

Conditions:
Iodotyrosyl coupling defect (TDH3). Also called: THYROID HORMONOGENESIS, GENETIC DEFECT IN, 3; HYPOTHYROIDISM, CONGENITAL, DUE TO DYSHORMONOGENESIS, 3. Identifiers: Orphanet 95716, MedGen C0342194, MONDO:0010135, OMIM 274700.

Allele frequency attached by ClinVar (database versions not stated): gnomAD exomes below 0.00001; gnomAD 0.00001; TOPMed 0.00003; ESP Exome Variant Server 0.00015.
gnomAD v4.1: 5 of 1,613,574 alleles (0.00031%); highest among the groups gnomAD compares: African/African-American, 0.0053%; no homozygotes.

Submission:

Genetics and Molecular Pathology, SA Pathology
Classification: Uncertain significance for Iodotyrosyl coupling defect. Last evaluated: 2022-12-22. Review status: criteria provided, single submitter. Criteria: ACMG Guidelines, 2015. Collection method: clinical testing. Allele origin: germline. Inheritance: Autosomal recessive inheritance. Affected: yes.
Comment: The TG c.6842G>A variant is classified as VUS (PM1, PM2, PP3) The TG c.6842G>A variant is a single nucleotide change in exon 39/48 of the TG gene, which is predicted to change the amino acid cysteine at position 2281 in the protein to tyrosine. The variant is rare in population databases (gnomAD allele frequency = 0.0013%; 2 het and 0 hom in 152228 sequenced alleles; highest frequency = 0.0048%, African/African American population) (PM2). This variant is located in the conserved Carboxylesterase domain (PM1). Computational predictions support a deleterious effect on the gene or gene product (PP3). The variant has been reported in dbSNP (rs374390455). It has not been reported in ClinVar or HGMD.